The following is an entry in ClinVar:

ClinVar aggregate classification (germline): Likely benign. Review status: criteria provided, multiple submitters, no conflicts (2 of 4 stars). 5 submissions from 5 submitters: Likely benign (5). Last evaluated 2026-06-03.

Conditions:
MYPN-related disorder. Also called: MYPN-related condition.
Dilated cardiomyopathy 1KK (CMD1KK). Identifiers: Orphanet 154, Orphanet 75249, MedGen C3714995, MONDO:0014100, OMIM 615248.
MYPN-related myopathy (CMYO24). Also called: Nemaline myopathy 11, autosomal recessive. Identifiers: MedGen C4479186, MONDO:0015023, OMIM 617336.
Cardiovascular phenotype. Identifiers: MedGen CN230736.

Allele frequency attached by ClinVar (database versions not stated): TOPMed 0.00012; gnomAD exomes 0.00002 and 0.00003; ExAC 0.00004; ESP Exome Variant Server 0.00008; gnomAD 0.00010 and 0.00011.
gnomAD v4.1: 40 of 1,614,010 alleles (0.0025%); highest among the groups gnomAD compares: African/African-American, 0.043%; no homozygotes.

Submissions (5):

PreventionGenetics, part of Exact Sciences
Classification: Likely benign for MYPN-related condition. Last evaluated: 2026-06-03. Review status: criteria provided, single submitter. Criteria: ACMG Guidelines, 2015. Collection method: clinical testing. Allele origin: germline.
Comment: This variant is classified as likely benign based on ACMG/AMP sequence variant interpretation guidelines (Richards et al. 2015 PMID: 25741868, with internal and published modifications).

Labcorp Genetics (formerly Invitae), Labcorp
Classification: Likely benign for Dilated cardiomyopathy 1KK. Last evaluated: 2026-01-17. Review status: criteria provided, single submitter. Criteria: Invitae Variant Classification Sherloc (09022015). Collection method: clinical testing. Allele origin: germline.

Blueprint Genetics
Classification: Likely benign. Last evaluated: 2023-10-02. Review status: criteria provided, single submitter. Criteria: ACMG Guidelines, 2015. Collection method: clinical testing. Allele origin: germline.

Fulgent Genetics
Classification: Likely benign for Dilated cardiomyopathy 1KK; MYPN-related myopathy. Last evaluated: 2021-08-24. Review status: criteria provided, single submitter. Criteria: ACMG Guidelines, 2015. Collection method: clinical testing. Allele origin: unknown.

Ambry Genetics
Classification: Likely benign for Cardiovascular phenotype. Last evaluated: 2020-04-06. Review status: criteria provided, single submitter. Criteria: Ambry Variant Classification Scheme 2023. Collection method: clinical testing. Allele origin: germline.

NM_032578.4(MYPN):c.2742T>C (p.Asn914=)

Gene: MYPN (myopalladin; plus strand). Cytogenetic location: 10q21.3.
Variant type: single nucleotide variant.
Coding change: c.2742T>C on transcript NM_032578.4 (MANE Select); coding-DNA position 2742, T replaced by C.
Protein change: p.Asn914=; no amino-acid change (asparagine 914 retained).
Molecular consequence: synonymous variant. On other transcripts: non-coding transcript variant (2).
Genome position (GRCh38, 1-based): chr10:68,188,943, T>C. VCF-style: chr10-68188943-T-C. GRCh37 (hg19) VCF-style: chr10-69948700-T-C.
Other names: c.2742T>C, p.Asn914= (NM_001256267.2); c.1860T>C, p.Asn620= (NM_001256268.2).
Identifiers: ClinVar variation 719743 (VCV000719743.15), dbSNP rs372375235, ClinGen allele CA5522865.